The following is an entry in ClinVar:

NM_001130438.3(SPTAN1):c.6190G>A (p.Ala2064Thr)

Gene: SPTAN1 (spectrin alpha, non-erythrocytic 1; plus strand). Cytogenetic location: 9q34.11.
Variant type: single nucleotide variant.
Coding change: c.6190G>A on transcript NM_001130438.3 (MANE Select); coding-DNA position 6190, G replaced by A.
Protein change: p.Ala2064Thr; replaces alanine 2064 with threonine.
Molecular consequence: missense variant.
Genome position (GRCh38, 1-based): chr9:128,625,889, G>A. VCF-style: chr9-128625889-G-A. GRCh37 (hg19) VCF-style: chr9-131388168-G-A.
Other names: p.A2064T:GCC>ACC; c.6115G>A, p.Ala2039Thr (NM_001195532.2); c.6190G>A, p.Ala2064Thr (NM_001363759.2); c.6130G>A, p.Ala2044Thr (NM_001363765.2); c.6175G>A, p.Ala2059Thr (NM_003127.4); short protein forms A2064T, A2039T, A2044T, A2059T.
Identifiers: ClinVar variation 207301 (VCV000207301.29), dbSNP rs201411901, ClinGen allele CA318637.
Genomic context (GRCh38, chr9:128,625,889, plus strand): 5'-CTCAAAGATCAGCTTCTCGCCGCCAAACACGTTCAGTCCAAGGCCATCGAGGCCCGGCAC[G>A]CCTCCCTCATGAAGAGGTGGAGCCAGCTTCTGGCCAACTCAGCCGCCCGCAAGAAGAAGC-3'
Protein context (NP_001123910.1, residues 2054-2074): VQSKAIEARH[Ala2064Thr]SLMKRWSQLL

ClinVar aggregate classification (germline): Benign/Likely benign. Review status: criteria provided, multiple submitters, no conflicts (2 of 4 stars). 6 submissions from 6 submitters: Benign (4); Likely benign (2). Last evaluated 2026-07-01.

Conditions:
Early-infantile DEE. Also called: Ohtahara syndrome; Early infantile epileptic encephalopathy with suppression bursts; Early infantile epileptic encephalopathy. Identifiers: Orphanet 1934, MedGen C0393706, MONDO:0800491.
Inborn genetic diseases. Identifiers: MedGen C0950123, MeSH D030342.
Developmental and epileptic encephalopathy, 5 (DEE5). Identifiers: Orphanet 3451, MedGen C3150731, MONDO:0013277, OMIM 613477.

Allele frequency attached by ClinVar (database versions not stated): gnomAD 0.00009; 1000 Genomes Project 30x 0.00016; 1000 Genomes Project 0.00020; TOPMed 0.00025; ExAC 0.00049.
gnomAD v4.1: 237 of 1,614,182 alleles (0.015%); highest among the groups gnomAD compares: Admixed American, 0.28%; no homozygotes.

Submissions (6):

CeGaT Center for Human Genetics Tuebingen
Classification: Likely benign. Last evaluated: 2026-07-01. Review status: criteria provided, single submitter. Criteria: CeGaT Center For Human Genetics Tuebingen Variant Classification Criteria Version 2. Collection method: clinical testing. Allele origin: germline. Affected: yes. Observed: 2 variant alleles.
Comment: SPTAN1: BS1

Labcorp Genetics (formerly Invitae), Labcorp
Classification: Benign for Early-infantile DEE. Last evaluated: 2026-02-03. Review status: criteria provided, single submitter. Criteria: Invitae Variant Classification Sherloc (09022015). Collection method: clinical testing. Allele origin: germline.

Athena Diagnostics
Classification: Benign. Last evaluated: 2024-09-26. Review status: criteria provided, single submitter. Criteria: Athena Diagnostics Criteria. Collection method: clinical testing. Allele origin: unknown.

Genome-Nilou Lab
Classification: Benign for Developmental and epileptic encephalopathy, 5. Last evaluated: 2021-07-15. Review status: criteria provided, single submitter. Criteria: ACMG Guidelines, 2015. Collection method: clinical testing. Allele origin: germline. Affected: no.

GeneDx
Classification: Benign. Last evaluated: 2019-08-23. Review status: criteria provided, single submitter. Criteria: GeneDx Variant Classification Process June 2021. Collection method: clinical testing. Allele origin: germline. Affected: yes.

Ambry Genetics
Classification: Likely benign for Inborn genetic diseases. Last evaluated: 2018-01-19. Review status: criteria provided, single submitter. Criteria: Ambry Variant Classification Scheme 2023. Collection method: clinical testing. Allele origin: germline.